The following is an entry in ClinVar:

ClinVar aggregate classification (germline): Uncertain significance. Review status: criteria provided, multiple submitters, no conflicts (2 of 4 stars). 2 submissions from 2 submitters: Uncertain significance (2). Last evaluated 2021-05-24.

Conditions:
Leukodystrophy, hypomyelinating, 2. Also called: PELIZAEUS-MERZBACHER-LIKE DISEASE, 1. Identifiers: Orphanet 280270, Orphanet 280282, MedGen C1837355, MONDO:0012125, OMIM 608804.

Submissions (2):

Molecular Diagnostics Lab, Nemours Children's Health, Delaware
Classification: Uncertain significance for Leukodystrophy, hypomyelinating, 2. Last evaluated: 2021-05-24. Review status: criteria provided, single submitter. Criteria: ACMG Guidelines, 2015. Collection method: clinical testing. Allele origin: unknown. Inheritance: Autosomal recessive inheritance. Affected: yes. Observed: 2 compound heterozygotes.
Comment: This missense variant (c.62C>T, p.Thr21Ile) has not been observed in population databases (gnomAD) and has not been reported in the literature. Variant prediction programs suggest a deleterious effect, but no functional studies have been reported. The change was found in the homozygous state in affected twins.

Consultorio y Laboratorio de Neurogenética, Hospital JM Ramos Mejia
Classification: Uncertain significance for Leukodystrophy, hypomyelinating, 2. Review status: criteria provided, single submitter. Criteria: CÃ³rdoba et al. (PLoS One. 2018). Collection method: clinical testing. Allele origin: unknown. Inheritance: Autosomal recessive inheritance. Affected: yes. Observed: 1 heterozygote.

NM_020435.4(GJC2):c.62C>T (p.Thr21Ile)

Gene: GJC2 (gap junction protein gamma 2; plus strand). Cytogenetic location: 1q42.13.
Variant type: single nucleotide variant.
Coding change: c.62C>T on transcript NM_020435.4 (MANE Select); coding-DNA position 62, C replaced by T.
Protein change: p.Thr21Ile; replaces threonine 21 with isoleucine.
Molecular consequence: missense variant.
Genome position (GRCh38, 1-based): chr1:228,157,820, C>T. VCF-style: chr1-228157820-C-T. GRCh37 (hg19) VCF-style: chr1-228345521-C-T.
Other names: c.62C>T (NM_020435.3); short protein forms T21I.
Identifiers: ClinVar variation 982030 (VCV000982030.4), dbSNP rs2034705112, ClinGen allele CA345096823.